The following is an entry in ClinVar:

ClinVar aggregate classification (germline): Uncertain significance. Review status: criteria provided, single submitter (1 of 4 stars). 2 submissions from 2 submitters: Uncertain significance (1). 1 of the submissions does not count toward it. Last evaluated 2023-06-11.

Conditions:
Immunodeficiency 14 (IMD14A). Also called: p110-DELTA-ACTIVATING MUTATION CAUSING SENESCENT T CELLS, LYMPHADENOPATHY, AND IMMUNODEFICIENCY; IMMUNODEFICIENCY 14A WITH LYMPHOPROLIFERATION, AUTOSOMAL DOMINANT; ACTIVATED PI3K-DELTA SYNDROME 1; Activated PI3K Delta Syndrome Type 1 (APDS1). Identifiers: Orphanet 397596, Orphanet 693661, MedGen C5907821, MONDO:0014222, OMIM 615513.

Submissions (2):

Labcorp Genetics (formerly Invitae), Labcorp
Classification: Uncertain significance for Activated PI3K-delta syndrome. Last evaluated: 2023-06-11. Review status: criteria provided, single submitter. Criteria: Invitae Variant Classification Sherloc (09022015). Collection method: clinical testing. Allele origin: germline.
Comment: In summary, the available evidence is currently insufficient to determine the role of this variant in disease. Therefore, it has been classified as a Variant of Uncertain Significance. An algorithm developed to predict the effect of missense changes on protein structure and function (PolyPhen-2) suggests that this variant is likely to be tolerated. This variant has not been reported in the literature in individuals affected with PIK3CD-related conditions. This variant is not present in population databases (gnomAD no frequency). This sequence change replaces tyrosine, which is neutral and polar, with aspartic acid, which is acidic and polar, at codon 55 of the PIK3CD protein (p.Tyr55Asp).

Immunology Clinic, Ucla
Classification: Benign for Immunodeficiency 14. Review status: no assertion criteria provided. Collection method: research. Allele origin: germline, not applicable. Not counted in ClinVar's aggregate classification.

Literature cited by the submitters: PubMed 31031754 (cited by Immunology Clinic, Ucla).

NM_005026.5(PIK3CD):c.163T>G (p.Tyr55Asp)

Gene: PIK3CD (phosphatidylinositol-4,5-bisphosphate 3-kinase catalytic subunit delta; plus strand). Cytogenetic location: 1p36.22.
Variant type: single nucleotide variant.
Coding change: c.163T>G on transcript NM_005026.5 (MANE Select); coding-DNA position 163, T replaced by G.
Protein change: p.Tyr55Asp; replaces tyrosine 55 with aspartic acid.
Molecular consequence: missense variant.
Genome position (GRCh38, 1-based): chr1:9,715,562, T>G. VCF-style: chr1-9715562-T-G. GRCh37 (hg19) VCF-style: chr1-9775620-T-G.
Other names: c.163T>G, p.Tyr55Asp (NM_001350234.2, NM_001350235.1); short protein forms Y55D.
Identifiers: ClinVar variation 2711850 (VCV002711850.4), dbSNP rs2524802135, ClinGen allele CA338299864.